The following is an entry in ClinVar:

NM_001145014.2(RFPL4A):c.804T>C (p.Ser268=)

Gene: RFPL4A (ret finger protein like 4A; plus strand). Cytogenetic location: 19q13.42.
Variant type: single nucleotide variant.
Coding change: c.804T>C on transcript NM_001145014.2 (MANE Select); coding-DNA position 804, T replaced by C.
Protein change: p.Ser268=; no amino-acid change (serine 268 retained).
Molecular consequence: synonymous variant.
Genome position (GRCh38, 1-based): chr19:55,763,115, T>C. VCF-style: chr19-55763115-T-C. GRCh37 (hg19) VCF-style: chr19-56274481-T-C.
Identifiers: ClinVar variation 3388849 (VCV003388849.14).

ClinVar aggregate classification (germline): Likely benign (1 of 4 stars; one submission).

Submission:

CeGaT Center for Human Genetics Tuebingen
Classification: Likely benign. Last evaluated: 2024-11-01. Review status: criteria provided, single submitter. Criteria: CeGaT Center For Human Genetics Tuebingen Variant Classification Criteria Version 2. Collection method: clinical testing. Allele origin: germline. Affected: yes. Observed: 1 variant allele.
Comment: RFPL4A: PM2:Supporting, BP4, BP7